The following is an entry in ClinVar:

ClinVar aggregate classification (germline): Uncertain significance (1 of 4 stars; one submission).

Conditions:
T-cell immunodeficiency with epidermodysplasia verruciformis. Identifiers: Orphanet 324294, MedGen C4749500, MONDO:0017925.

Allele frequency attached by ClinVar (database versions not stated): gnomAD exomes below 0.00001; TOPMed below 0.00001.
gnomAD v4.1: 3 of 1,614,062 alleles (0.00019%); highest among the groups gnomAD compares: Non-Finnish European, 0.000085%; no homozygotes.

Submission:

Labcorp Genetics (formerly Invitae), Labcorp
Classification: Uncertain significance for T-cell immunodeficiency with epidermodysplasia verruciformis. Last evaluated: 2022-02-10. Review status: criteria provided, single submitter. Criteria: Invitae Variant Classification Sherloc (09022015). Collection method: clinical testing. Allele origin: germline.
Comment: This sequence change replaces arginine, which is basic and polar, with glutamine, which is neutral and polar, at codon 177 of the RHOH protein (p.Arg177Gln). This variant is not present in population databases (gnomAD no frequency). This variant has not been reported in the literature in individuals affected with RHOH-related conditions. ClinVar contains an entry for this variant (Variation ID: 1056822). Algorithms developed to predict the effect of missense changes on protein structure and function output the following: SIFT: "Tolerated"; PolyPhen-2: "Benign"; Align-GVGD: "Class C0". The glutamine amino acid residue is found in multiple mammalian species, which suggests that this missense change does not adversely affect protein function. In summary, the available evidence is currently insufficient to determine the role of this variant in disease. Therefore, it has been classified as a Variant of Uncertain Significance.

NM_004310.5(RHOH):c.530G>A (p.Arg177Gln)

Gene: RHOH (ras homolog family member H; plus strand). Cytogenetic location: 4p14.
Variant type: single nucleotide variant.
Coding change: c.530G>A on transcript NM_004310.5 (MANE Select); coding-DNA position 530, G replaced by A.
Protein change: p.Arg177Gln; replaces arginine 177 with glutamine.
Molecular consequence: missense variant.
Genome position (GRCh38, 1-based): chr4:40,243,916, G>A. VCF-style: chr4-40243916-G-A. GRCh37 (hg19) VCF-style: chr4-40245536-G-A.
Other names: c.530G>A, p.Arg177Gln (NM_001278359.2, NM_001278360.2, NM_001278361.2 and 8 more transcripts); short protein forms R177Q.
Identifiers: ClinVar variation 1056822 (VCV001056822.6), dbSNP rs1244021714, ClinGen allele CA356782808.